The following is an entry in ClinVar:

ClinVar aggregate classification (germline): Uncertain significance (1 of 4 stars; one submission).

Conditions:
Donnai-Barrow syndrome. Also called: DBS/FOAR SYNDROME; FACIOOCULOACOUSTICORENAL SYNDROME. Identifiers: Orphanet 2143, MedGen C1857277, MONDO:0009104, OMIM 222448.

Submission:

Myriad Genetics, Inc.
Classification: Uncertain significance for Donnai-Barrow syndrome. Last evaluated: 2026-02-12. Review status: criteria provided, single submitter. Criteria: Myriad Autosomal Dominant, Autosomal Recessive and X-Linked Classification Criteria (2023). Collection method: clinical testing. Allele origin: unknown.
Comment: NM_004525.2(LRP2):c.2891_2893delATG(D964del) is an in-frame deletion classified as a variant of uncertain significance in the context of Donnai-Barrow syndrome. D964del has not been observed in cases with relevant disease. Relevant functional assessments of this variant are not available in the literature. D964del has not been observed in referenced population frequency databases. In summary, there is insufficient evidence to classify NM_004525.2(LRP2):c.2891_2893delATG(D964del) as pathogenic or benign. Please note: this variant was assessed in the context of healthy population screening.

NM_004525.3(LRP2):c.2888ATG[1] (p.Asp964del)

Gene: LRP2 (LDL receptor related protein 2; minus strand). Cytogenetic location: 2q31.1.
Variant type: Microsatellite.
Coding change: c.2888ATG[1] on transcript NM_004525.3 (MANE Select); one copy of the 3-base unit ATG starting at c.2888; the reference has two copies in a row; one copy, 3 bases deleted.
Protein change: p.Asp964del; deletes aspartic acid 964.
Molecular consequence: inframe deletion.
Genome position (GRCh38, 1-based): chr2:169,247,393-169,247,395, CAT deleted on the plus strand (ATG on the coding strand, the reverse complement: LRP2 is on the minus strand); deleting any 3 consecutive bases within chr2:169,247,393-169,247,398 gives the same sequence; the position shown is the placement nearest the transcript's 3' end. VCF-style (leftmost placement, unchanged base first): chr2-169247392-ACAT-A. GRCh37 (hg19) VCF-style: chr2-170103902-ACAT-A.
Other names: short protein forms D964del.
Identifiers: ClinVar variation 5004467 (VCV005004467.1).